The following is an entry in ClinVar:

NM_000238.4(KCNH2):c.1035C>T (p.Gly345=)

Gene: KCNH2 (potassium voltage-gated channel subfamily H member 2; minus strand). Cytogenetic location: 7q36.1.
Variant type: single nucleotide variant.
Coding change: c.1035C>T on transcript NM_000238.4 (MANE Select); coding-DNA position 1035, C replaced by T.
Protein change: p.Gly345=; no amino-acid change (glycine 345 retained).
Molecular consequence: synonymous variant. On other transcripts: non-coding transcript variant (1).
Genome position (GRCh38, 1-based): chr7:150,957,384, G>A on the plus strand (C>T on the coding strand, the complement: KCNH2 is on the minus strand). VCF-style: chr7-150957384-G-A. GRCh37 (hg19) VCF-style: chr7-150654472-G-A.
Other names: c.1035C>T (NM_000238.2); c.747C>T, p.Gly249= (NM_001406753.1, NM_001406756.1); c.858C>T, p.Gly286= (NM_001406755.1); c.735C>T, p.Gly245= (NM_001406757.1); c.1035C>T, p.Gly345= (NM_172056.3).
Identifiers: ClinVar variation 630575 (VCV000630575.43), dbSNP rs576125279, ClinGen allele CA026690.

ClinVar aggregate classification (germline): Conflicting classifications of pathogenicity. Review status: criteria provided, conflicting classifications (1 of 4 stars). 8 submissions from 8 submitters: Uncertain significance (1); Benign (1); Likely benign (6). Last evaluated 2025-12-02.

Conditions:
Long QT syndrome 2 (LQT2). Identifiers: Orphanet 101016, Orphanet 768, MedGen C3150943, MONDO:0013367, OMIM 613688.
Cardiovascular phenotype. Identifiers: MedGen CN230736.
Long QT syndrome (LQTS). Identifiers: MedGen C0023976, MeSH D008133, MONDO:0002442. Disease mechanism: loss of function. Inheritance: Various modes of inheritance.
Cardiac arrhythmia. Also called: Arrhythmia; Cardiac rhythm disease. Identifiers: MedGen C0003811, MONDO:0007263, HP:0011675.

Allele frequency attached by ClinVar (database versions not stated): gnomAD 0.00001 and 0.00002; gnomAD exomes 0.00001; TOPMed 0.00001; ExAC 0.00002; 1000 Genomes Project 30x 0.00016; 1000 Genomes Project 0.00020.
gnomAD v4.1: 15 of 1,614,094 alleles (0.00093%); highest among the groups gnomAD compares: East Asian, 0.0022%; no homozygotes.

Submissions (8):

Labcorp Genetics (formerly Invitae), Labcorp
Classification: Likely benign for Long QT syndrome. Last evaluated: 2025-12-02. Review status: criteria provided, single submitter. Criteria: Invitae Variant Classification Sherloc (09022015). Collection method: clinical testing. Allele origin: germline.

CeGaT Center for Human Genetics Tuebingen
Classification: Likely benign. Last evaluated: 2025-01-01. Review status: criteria provided, single submitter. Criteria: CeGaT Center For Human Genetics Tuebingen Variant Classification Criteria Version 2. Collection method: clinical testing. Allele origin: germline. Affected: yes. Observed: 2 variant alleles.
Comment: KCNH2: BP4, BP7

All of Us Research Program, National Institutes of Health
Classification: Likely benign for Long QT syndrome. Last evaluated: 2023-10-02. Review status: criteria provided, single submitter. Criteria: ACMG Guidelines, 2015. Collection method: clinical testing. Allele origin: germline. Inheritance: Autosomal dominant inheritance. Observed: 2 variant alleles, 2 heterozygotes.
Comment: This study involves interpretation of variants in research participants for the purpose of population health screening. Participant phenotype was not available at the time of variant classification. Additional details can be found in publication PMID: 35346344, PMCID: PMC8962531

Ambry Genetics
Classification: Likely benign for Cardiovascular phenotype. Last evaluated: 2023-05-21. Review status: criteria provided, single submitter. Criteria: Ambry Variant Classification Scheme 2023. Collection method: clinical testing. Allele origin: germline.

Blueprint Genetics
Classification: Likely benign. Last evaluated: 2021-04-21. Review status: criteria provided, single submitter. Criteria: ACMG Guidelines, 2015. Collection method: clinical testing. Allele origin: germline.

Color Diagnostics, LLC DBA Color Health
Classification: Likely benign for Arrhythmia. Last evaluated: 2018-10-16. Review status: criteria provided, single submitter. Criteria: ACMG Guidelines, 2015. Collection method: clinical testing. Allele origin: germline.

Illumina Laboratory Services, Illumina
Classification: Uncertain significance for Long QT syndrome 2. Last evaluated: 2018-01-13. Review status: criteria provided, single submitter. Criteria: ICSL Variant Classification Criteria 13 December 2019. Collection method: clinical testing. Allele origin: germline.

GeneDx
Classification: Benign. Last evaluated: 2015-03-03. Review status: criteria provided, single submitter. Criteria: GeneDx Variant Classification Process June 2021. Collection method: clinical testing. Allele origin: germline. Affected: yes.